The following is an entry in ClinVar:

NM_003664.5(AP3B1):c.3131+1G>A

Gene: AP3B1 (adaptor related protein complex 3 subunit beta 1; minus strand). Cytogenetic location: 5q14.1.
Variant type: single nucleotide variant.
Coding change: c.3131+1G>A on transcript NM_003664.5 (MANE Select); the canonical splice donor site of the intron after coding-DNA position 3131, G replaced by A.
Molecular consequence: splice donor variant.
Genome position (GRCh38, 1-based): chr5:78,015,409, C>T on the plus strand (G>A on the coding strand, the complement: AP3B1 is on the minus strand). VCF-style: chr5-78015409-C-T. GRCh37 (hg19) VCF-style: chr5-77311233-C-T.
Other names: c.2984+1G>A (NM_001271769.2).
Identifiers: ClinVar variation 1493808 (VCV001493808.9), dbSNP rs766116144, ClinGen allele CA3316575.

ClinVar aggregate classification (germline): Conflicting classifications of pathogenicity. Review status: criteria provided, conflicting classifications (1 of 4 stars). 3 submissions from 3 submitters: Likely pathogenic (1); Uncertain significance (2). Last evaluated 2024-08-25.

Conditions:
Hermansky-Pudlak syndrome 2 (HPS2). Also called: Platelet defects and oculocutaneous albinism. Identifiers: Orphanet 183678, Orphanet 79430, MedGen C1842362, MONDO:0011997, OMIM 608233.

Allele frequency attached by ClinVar (database versions not stated): gnomAD 0.00001; gnomAD exomes 0.00001 and 0.00002; TOPMed 0.00002; ExAC 0.00006.
gnomAD v4.1: 10 of 1,613,538 alleles (0.00062%); highest among the groups gnomAD compares: Admixed American, 0.012%; no homozygotes.

Submissions (3):

Baylor Genetics
Classification: Uncertain significance for Hermansky-Pudlak syndrome 2. Last evaluated: 2024-08-25. Review status: criteria provided, single submitter. Criteria: ACMG Guidelines, 2015. Collection method: clinical testing. Allele origin: unknown.

Fulgent Genetics
Classification: Likely pathogenic for Hermansky-Pudlak syndrome 2. Last evaluated: 2024-06-07. Review status: criteria provided, single submitter. Criteria: ACMG Guidelines, 2015. Collection method: clinical testing. Allele origin: germline.

Labcorp Genetics (formerly Invitae), Labcorp
Classification: Uncertain significance for Hermansky-Pudlak syndrome 2. Last evaluated: 2023-10-13. Review status: criteria provided, single submitter. Criteria: Invitae Variant Classification Sherloc (09022015). Collection method: clinical testing. Allele origin: germline.
Comment: This sequence change affects a donor splice site in intron 26 of the AP3B1 gene. While this variant is not anticipated to result in nonsense mediated decay, it likely alters RNA splicing and results in a disrupted protein product. This variant is present in population databases (rs766116144, gnomAD 0.009%). This variant has not been reported in the literature in individuals affected with AP3B1-related conditions. ClinVar contains an entry for this variant (Variation ID: 1493808). Variants that disrupt the consensus splice site are a relatively common cause of aberrant splicing (PMID: 17576681, 9536098). Algorithms developed to predict the effect of sequence changes on RNA splicing suggest that this variant may disrupt the consensus splice site. In summary, the available evidence is currently insufficient to determine the role of this variant in disease. Therefore, it has been classified as a Variant of Uncertain Significance.

Literature cited by the submitters: PubMed 17576681 (cited by Labcorp Genetics (formerly Invitae), Labcorp); PubMed 9536098 (cited by Labcorp Genetics (formerly Invitae), Labcorp).